The following is an entry in ClinVar:

NM_018124.4(RFWD3):c.1955T>C (p.Val652Ala)

Gene: RFWD3 (ring finger and WD repeat domain 3; minus strand). Cytogenetic location: 16q23.1.
Variant type: single nucleotide variant.
Coding change: c.1955T>C on transcript NM_018124.4 (MANE Select); coding-DNA position 1955, T replaced by C.
Protein change: p.Val652Ala; replaces valine 652 with alanine.
Molecular consequence: missense variant.
Genome position (GRCh38, 1-based): chr16:74,628,466, A>G on the plus strand (T>C on the coding strand, the complement: RFWD3 is on the minus strand). VCF-style: chr16-74628466-A-G. GRCh37 (hg19) VCF-style: chr16-74662364-A-G.
Other names: c.1955T>C, p.Val652Ala (NM_001370535.1, NM_001370534.1); c.1778T>C, p.Val593Ala (NM_001370536.1); c.1121T>C, p.Val374Ala (NM_001370537.1, NM_001370539.1, NM_001370540.1 and 2 more transcripts); short protein forms V374A, V593A, V652A.
Identifiers: ClinVar variation 4779439 (VCV004779439.1).

ClinVar aggregate classification (germline): Uncertain significance (1 of 4 stars; one submission).

gnomAD v4.1: 3 of 1,614,130 alleles (0.00019%); highest among the groups gnomAD compares: Admixed American, 0.005%; no homozygotes.

Submission:

Labcorp Genetics (formerly Invitae), Labcorp
Classification: Uncertain significance. Last evaluated: 2026-01-12. Review status: criteria provided, single submitter. Criteria: Invitae Variant Classification Sherloc (09022015). Collection method: clinical testing. Allele origin: germline.
Comment: This sequence change replaces valine, which is neutral and non-polar, with alanine, which is neutral and non-polar, at codon 652 of the RFWD3 protein (p.Val652Ala). This variant is present in population databases (no rsID available, gnomAD 0.003%). This variant has not been reported in the literature in individuals affected with RFWD3-related conditions. An algorithm developed to predict the effect of missense changes on protein structure and function (PolyPhen-2) suggests that this variant is likely to be tolerated. In summary, the available evidence is currently insufficient to determine the role of this variant in disease. Therefore, it has been classified as a Variant of Uncertain Significance.